The following is an entry in ClinVar:

NM_001267550.2(TTN):c.74504A>G (p.Tyr24835Cys)

Genes: TTN-AS1 (TTN antisense RNA 1; plus strand), TTN (titin; minus strand). Cytogenetic location: 2q31.2.
Variant type: single nucleotide variant.
Coding change: c.74504A>G on transcript NM_001267550.2 (MANE Select); coding-DNA position 74504, A replaced by G.
Protein change: p.Tyr24835Cys; replaces tyrosine 24835 with cysteine.
Molecular consequence: missense variant.
Genome position (GRCh38, 1-based): chr2:178,571,628, T>C on the plus strand (A>G on the coding strand, the complement: TTN is on the minus strand). VCF-style: chr2-178571628-T-C. GRCh37 (hg19) VCF-style: chr2-179436355-T-C.
Other names: c.69581A>G, p.Tyr23194Cys (NM_001256850.1); c.47309A>G, p.Tyr15770Cys (NM_003319.4); c.66800A>G, p.Tyr22267Cys (NM_133378.4); c.47684A>G, p.Tyr15895Cys (NM_133432.3); c.47885A>G, p.Tyr15962Cys (NM_133437.4); short protein forms Y22267C, Y24835C, Y15895C, Y15962C, Y23194C, Y15770C.
Identifiers: ClinVar variation 192158 (VCV000192158.4), dbSNP rs201724962, ClinGen allele CA238483.

ClinVar aggregate classification (germline): Conflicting classifications of pathogenicity. Review status: criteria provided, conflicting classifications (1 of 4 stars). 3 submissions from 3 submitters: Uncertain significance (2); Likely benign (1). Last evaluated 2023-03-06.

Conditions:
Dilated cardiomyopathy 1G (CMD1G). Identifiers: Orphanet 154, MedGen C1858763, MONDO:0011400, OMIM 604145.
Autosomal recessive limb-girdle muscular dystrophy type 2J (LGMDR10). Also called: Limb-girdle muscular dystrophy, type 2J; MUSCULAR DYSTROPHY, LIMB-GIRDLE, AUTOSOMAL RECESSIVE 10. Identifiers: Orphanet 140922, MedGen C1837342, MONDO:0012127, OMIM 608807.

Allele frequency attached by ClinVar (database versions not stated): gnomAD 0.00005 and 0.00006; TOPMed 0.00006; gnomAD exomes 0.00007 and 0.00003; ESP Exome Variant Server 0.00008; ExAC 0.00004.
gnomAD v4.1: 62 of 1,613,222 alleles (0.0038%); highest among the groups gnomAD compares: Admixed American, 0.0067%; no homozygotes.

Submissions (3):

Women's Health and Genetics/Laboratory Corporation of America, LabCorp
Classification: Uncertain significance. Last evaluated: 2023-03-06. Review status: criteria provided, single submitter. Criteria: LabCorp Variant Classification Summary - May 2015. Collection method: clinical testing. Allele origin: germline.

Labcorp Genetics (formerly Invitae), Labcorp
Classification: Uncertain significance for Dilated cardiomyopathy 1G; Autosomal recessive limb-girdle muscular dystrophy type 2J. Last evaluated: 2017-04-18. Review status: criteria provided, single submitter. Criteria: Invitae Variant Classification Sherloc (09022015). Collection method: clinical testing. Allele origin: germline.

Biesecker Lab/Clinical Genomics Section, National Institutes of Health
Classification: Likely benign. Last evaluated: 2013-06-24. Review status: criteria provided, single submitter. Criteria: Ng et al. (Circ Cardiovasc Genet. 2013). Collection method: research. Allele origin: unknown. Observed: 2 variant alleles. Study: ClinSeq.
Comment: The study set was not selected for affection status in relation to any cancer. Pathogenicity categories were based on literature curation. See Pubmed ID:23861362 for details.

Medical sequencing